The following is an entry in ClinVar:

NM_004341.5(CAD):c.1738C>G (p.Pro580Ala)

Gene: CAD (carbamoyl-phosphate synthetase 2, aspartate transcarbamylase, and dihydroorotase; plus strand). Cytogenetic location: 2p23.3.
Variant type: single nucleotide variant.
Coding change: c.1738C>G on transcript NM_004341.5 (MANE Select); coding-DNA position 1738, C replaced by G.
Protein change: p.Pro580Ala; replaces proline 580 with alanine.
Molecular consequence: missense variant.
Genome position (GRCh38, 1-based): chr2:27,225,822, C>G. VCF-style: chr2-27225822-C-G. GRCh37 (hg19) VCF-style: chr2-27448690-C-G.
Other names: c.1738C>G, p.Pro580Ala (NM_001306079.2); short protein forms P580A.
Identifiers: ClinVar variation 1391755 (VCV001391755.5), dbSNP rs770495043, ClinGen allele CA1572816.

ClinVar aggregate classification (germline): Uncertain significance (1 of 4 stars; one submission).

Allele frequency attached by ClinVar (database versions not stated): gnomAD exomes 0.00001; ExAC 0.00002.
gnomAD v4.1: 17 of 1,614,204 alleles (0.0011%); highest among the groups gnomAD compares: Middle Eastern, 0.016%; no homozygotes.

Submission:

Labcorp Genetics (formerly Invitae), Labcorp
Classification: Uncertain significance. Last evaluated: 2022-04-29. Review status: criteria provided, single submitter. Criteria: Invitae Variant Classification Sherloc (09022015). Collection method: clinical testing. Allele origin: germline.
Comment: This sequence change replaces proline, which is neutral and non-polar, with alanine, which is neutral and non-polar, at codon 580 of the CAD protein (p.Pro580Ala). This variant is present in population databases (rs770495043, gnomAD 0.01%). This variant has not been reported in the literature in individuals affected with CAD-related conditions. Algorithms developed to predict the effect of missense changes on protein structure and function (SIFT, PolyPhen-2, Align-GVGD) all suggest that this variant is likely to be tolerated. In summary, the available evidence is currently insufficient to determine the role of this variant in disease. Therefore, it has been classified as a Variant of Uncertain Significance.